The following is an entry in ClinVar:

ClinVar aggregate classification (germline): Uncertain significance (1 of 4 stars; one submission).

Conditions:
Arrhythmogenic cardiomyopathy with wooly hair and keratoderma. Also called: PALMOPLANTAR KERATODERMA WITH LEFT VENTRICULAR CARDIOMYOPATHY AND WOOLLY HAIR; Carvajal syndrome; Dilated cardiomyopathy with woolly hair and keratoderma; Arrhythmogenic cardiomyopathy with woolly hair and keratoderma. Identifiers: Orphanet 65282, MedGen C1854063, MONDO:0011581, OMIM 605676.

Submission:

All of Us Research Program, National Institutes of Health
Classification: Uncertain significance for Arrhythmogenic cardiomyopathy with wooly hair and keratoderma. Last evaluated: 2023-05-04. Review status: criteria provided, single submitter. Criteria: ACMG Guidelines, 2015. Collection method: clinical testing. Allele origin: germline. Inheritance: Autosomal dominant inheritance. Observed: 1 variant allele, 1 heterozygote.
Comment: This missense variant replaces proline with leucine at codon 453 of the DSP protein. Computational prediction is inconclusive regarding the impact of this variant on protein structure and function (internally defined REVEL score threshold 0.5 < inconclusive < 0.7, PMID: 27666373). To our knowledge, functional studies have not been reported for this variant. This variant has not been reported in individuals affected with DSP-related disorders in the literature. This variant has not been identified in the general population by the Genome Aggregation Database (gnomAD). The available evidence is insufficient to determine the role of this variant in disease conclusively. Therefore, this variant is classified as a Variant of Uncertain Significance.

This study involves interpretation of variants in research participants for the purpose of population health screening. Participant phenotype was not available at the time of variant classification. Additional details can be found in publication PMID: 35346344, PMCID: PMC8962531

NM_004415.4(DSP):c.1358C>T (p.Pro453Leu)

Gene: DSP (desmoplakin; plus strand). Cytogenetic location: 6p24.3.
Variant type: single nucleotide variant.
Coding change: c.1358C>T on transcript NM_004415.4 (MANE Select); coding-DNA position 1358, C replaced by T.
Protein change: p.Pro453Leu; replaces proline 453 with leucine.
Molecular consequence: missense variant.
Genome position (GRCh38, 1-based): chr6:7,568,528, C>T. VCF-style: chr6-7568528-C-T. GRCh37 (hg19) VCF-style: chr6-7568761-C-T.
Other names: c.1358C>T, p.Pro453Leu (NM_001008844.3, NM_001319034.2, NM_001406591.1); short protein forms P453L.
Identifiers: ClinVar variation 3070845 (VCV003070845.1), dbSNP rs2533884270, ClinGen allele CA362676554.